The following is an entry in ClinVar:

ClinVar aggregate classification (germline): Likely pathogenic (1 of 4 stars; one submission).

Conditions:
Cutis laxa, autosomal recessive, type 1B (ARCL1B). Also called: EFEMP2-Related Cutis Laxa; CUTIS LAXA, AUTOSOMAL RECESSIVE, TYPE IB. Identifiers: Orphanet 90349, MedGen C3280798, MONDO:0013754, OMIM 614437. Disease mechanism: loss of function.

Submission:

Labcorp Genetics (formerly Invitae), Labcorp
Classification: Likely pathogenic for Cutis laxa, autosomal recessive, type 1B. Last evaluated: 2024-10-25. Review status: criteria provided, single submitter. Criteria: Invitae Variant Classification Sherloc (09022015). Collection method: clinical testing. Allele origin: germline.
Comment: This variant results in the deletion of part of exon 9 (c.848-1_850del) of the EFEMP2 gene. It is expected to disrupt RNA splicing. Variants that disrupt the donor or acceptor splice site typically lead to a loss of protein function (PMID: 16199547), and loss-of-function variants in EFEMP2 are known to be pathogenic (PMID: 17937443). This variant is not present in population databases (gnomAD no frequency). This variant has not been reported in the literature in individuals affected with EFEMP2-related conditions. ClinVar contains an entry for this variant (Variation ID: 2020563). In summary, the currently available evidence indicates that the variant is pathogenic, but additional data are needed to prove that conclusively. Therefore, this variant has been classified as Likely Pathogenic.

Literature cited by the submitters: PubMed 16199547; PubMed 17937443.

NM_016938.5(EFEMP2):c.848-1_850del

Gene: EFEMP2 (EGF-like fibulin extracellular matrix protein 2; minus strand). Cytogenetic location: 11q13.1.
Variant type: Deletion.
Coding change: c.848-1_850del on transcript NM_016938.5 (MANE Select); the canonical splice acceptor site of the intron before coding-DNA position 848 through coding-DNA position 850, 4 bases deleted (GACA; older notation c.848-1_850delGACA).
Molecular consequence: splice acceptor variant.
Genome position (GRCh38, 1-based): chr11:65,868,419-65,868,422, TGTC deleted on the plus strand (GACA on the coding strand, the reverse complement: EFEMP2 is on the minus strand); deleting any 4 consecutive bases within chr11:65,868,419-65,868,425 gives the same sequence; the c. name uses the placement nearest the transcript's 3' end. VCF-style (leftmost placement, unchanged base first): chr11-65868418-ATGTC-A. GRCh37 (hg19) VCF-style: chr11-65635889-ATGTC-A.
Identifiers: ClinVar variation 2020563 (VCV002020563.4), dbSNP rs1859902707, ClinGen allele CA1979444172.